The following is an entry in ClinVar:

ClinVar aggregate classification (germline): Conflicting classifications of pathogenicity. Review status: criteria provided, conflicting classifications (1 of 4 stars). 6 submissions from 6 submitters: Uncertain significance (5); Likely benign (1). Last evaluated 2025-11-10.

Conditions:
Inborn genetic diseases. Identifiers: MedGen C0950123, MeSH D030342.
Van Maldergem syndrome 2 (VMLDS2). Identifiers: Orphanet 314679, MedGen C3809875, MONDO:0014242, OMIM 615546.
Hennekam lymphangiectasia-lymphedema syndrome 2 (HKLLS2). Identifiers: Orphanet 2136, MedGen C4014939, MONDO:0014454, OMIM 616006.
FAT4-related disorder. Also called: FAT4-related condition.

Allele frequency attached by ClinVar (database versions not stated): ESP Exome Variant Server 0.00008; gnomAD 0.00013; TOPMed 0.00016; gnomAD exomes 0.00021; ExAC 0.00026.
gnomAD v4.1: 358 of 1,613,780 alleles (0.022%); highest among the groups gnomAD compares: East Asian, 0.033%; 1 homozygote.

Submissions (6):

GeneDx
Classification: Uncertain significance. Last evaluated: 2025-11-10. Review status: criteria provided, single submitter. Criteria: GeneDx Variant Classification Process June 2021. Collection method: clinical testing. Allele origin: germline. Affected: yes.
Comment: In silico analysis suggests this variant may impact gene splicing. In the absence of RNA/functional studies, the actual effect of this sequence change is unknown.; Has not been previously published as pathogenic or benign to our knowledge; In silico analysis supports that this missense variant has a deleterious effect on protein structure/function

PreventionGenetics, part of Exact Sciences
Classification: Uncertain significance for FAT4-related condition. Last evaluated: 2025-03-11. Review status: criteria provided, single submitter. Criteria: ACMG Guidelines, 2015. Collection method: clinical testing. Allele origin: germline.
Comment: The FAT4 c.5401C>T variant is predicted to result in the amino acid substitution p.Arg1801Trp. To our knowledge, this variant has not been reported in the literature. This variant is reported in 0.028% of alleles in individuals of European (Non-Finnish) descent in gnomAD. At this time, the clinical significance of this variant is uncertain due to the absence of conclusive functional and genetic evidence.

Ambry Genetics
Classification: Uncertain significance for Inborn genetic diseases. Last evaluated: 2024-06-14. Review status: criteria provided, single submitter. Criteria: Ambry Variant Classification Scheme 2023. Collection method: clinical testing. Allele origin: germline.

Fulgent Genetics
Classification: Likely benign for Van Maldergem syndrome 2; Hennekam lymphangiectasia-lymphedema syndrome 2. Last evaluated: 2024-03-22. Review status: criteria provided, single submitter. Criteria: ACMG Guidelines, 2015. Collection method: clinical testing. Allele origin: germline.

Labcorp Genetics (formerly Invitae), Labcorp
Classification: Uncertain significance. Last evaluated: 2022-10-26. Review status: criteria provided, single submitter. Criteria: Invitae Variant Classification Sherloc (09022015). Collection method: clinical testing. Allele origin: germline.
Comment: This sequence change replaces arginine, which is basic and polar, with tryptophan, which is neutral and slightly polar, at codon 1801 of the FAT4 protein (p.Arg1801Trp). This variant is present in population databases (rs201887525, gnomAD 0.03%). This variant has not been reported in the literature in individuals affected with FAT4-related conditions. ClinVar contains an entry for this variant (Variation ID: 432372). Algorithms developed to predict the effect of missense changes on protein structure and function (SIFT, PolyPhen-2, Align-GVGD) all suggest that this variant is likely to be disruptive. In summary, the available evidence is currently insufficient to determine the role of this variant in disease. Therefore, it has been classified as a Variant of Uncertain Significance.

CeGaT Center for Human Genetics Tuebingen
Classification: Uncertain significance. Last evaluated: 2019-07-01. Review status: criteria provided, single submitter. Criteria: CeGaT Center For Human Genetics Tuebingen Variant Classification Criteria Version 2. Collection method: clinical testing. Allele origin: germline. Affected: yes. Observed: 1 variant allele.

NM_001291303.3(FAT4):c.5401C>T (p.Arg1801Trp)

Gene: FAT4 (FAT atypical cadherin 4; plus strand). Cytogenetic location: 4q28.1.
Variant type: single nucleotide variant.
Coding change: c.5401C>T on transcript NM_001291303.3 (MANE Select); coding-DNA position 5401, C replaced by T.
Protein change: p.Arg1801Trp; replaces arginine 1801 with tryptophan.
Molecular consequence: missense variant.
Genome position (GRCh38, 1-based): chr4:125,406,973, C>T. VCF-style: chr4-125406973-C-T. GRCh37 (hg19) VCF-style: chr4-126328128-C-T.
Other names: c.5401C>T (NM_024582.5, NM_001291303.1); c.5401C>T, p.Arg1801Trp (NM_001291285.3, NM_024582.6); short protein forms R1801W.
Identifiers: ClinVar variation 432372 (VCV000432372.52), dbSNP rs201887525, ClinGen allele CA3072706.
Genomic context (GRCh38, chr4:125,406,973, plus strand): 5'-AGTGGAGCTGATGATAGTTTTCGCATCGACCCAGAATCCGGAGATCTGATAGCAACCAGG[C>T]GGTTGGACAGGGAACGCCGCTCCAAATATTCACTGCTAGTTCGTGCTGATGATGGTCTTC-3'
Protein context (NP_001278232.1, residues 1791-1811): PESGDLIATR[Arg1801Trp]LDRERRSKYS